The following is an entry in ClinVar:

ClinVar aggregate classification (germline): Uncertain significance (1 of 4 stars; one submission).

Conditions:
Familial cancer of breast. Also called: BREAST CANCER, FAMILIAL; Hereditary breast cancer; hereditary breast carcinoma. Identifiers: Orphanet 227535, MedGen C0346153, MONDO:0016419, OMIM 114480. Disease mechanism: loss of function.

Submission:

Labcorp Genetics (formerly Invitae), Labcorp
Classification: Uncertain significance for Familial cancer of breast. Last evaluated: 2023-08-22. Review status: criteria provided, single submitter. Criteria: Invitae Variant Classification Sherloc (09022015). Collection method: clinical testing. Allele origin: germline.
Comment: In summary, the available evidence is currently insufficient to determine the role of this variant in disease. Therefore, it has been classified as a Variant of Uncertain Significance. Algorithms developed to predict the effect of sequence changes on RNA splicing suggest that this variant may disrupt the consensus splice site. ClinVar contains an entry for this variant (Variation ID: 568532). This variant has not been reported in the literature in individuals affected with CHEK2-related conditions. This variant is not present in population databases (gnomAD no frequency). This sequence change affects codon 197 of the CHEK2 mRNA. It is a 'silent' change, meaning that it does not change the encoded amino acid sequence of the CHEK2 protein. It affects a nucleotide within the consensus splice site.

NM_007194.4(CHEK2):c.591A>G (p.Lys197=)

Gene: CHEK2 (checkpoint kinase 2; minus strand). Cytogenetic location: 22q12.1.
Variant type: single nucleotide variant.
Coding change: c.591A>G on transcript NM_007194.4 (MANE Select); coding-DNA position 591, A replaced by G.
Protein change: p.Lys197=; no amino-acid change (lysine 197 retained).
Molecular consequence: synonymous variant. On other transcripts: 5 prime UTR variant (2), intron variant (1).
Genome position (GRCh38, 1-based): chr22:28,724,978, T>C on the plus strand (A>G on the coding strand, the complement: CHEK2 is on the minus strand). VCF-style: chr22-28724978-T-C. GRCh37 (hg19) VCF-style: chr22-29120966-T-C.
Other names: c.720A>G, p.Lys240= (NM_001005735.3, NM_001438294.1); c.-187A>G (NM_001257387.3); c.-73A>G (NM_001437942.1); c.684A>G, p.Lys228= (NM_001438293.1, NM_001438295.1); c.591A>G, p.Lys197= (NM_145862.3); c.445-55A>G (NM_001349956.3).
Identifiers: ClinVar variation 568532 (VCV000568532.7), dbSNP rs1569157165, ClinGen allele CA514168703.